The following is an entry in ClinVar:

NM_004239.4(TRIP11):c.477C>T (p.Asp159=)

Gene: TRIP11 (thyroid hormone receptor interactor 11; minus strand). Cytogenetic location: 14q32.12.
Variant type: single nucleotide variant.
Coding change: c.477C>T on transcript NM_004239.4 (MANE Select); coding-DNA position 477, C replaced by T.
Protein change: p.Asp159=; no amino-acid change (aspartic acid 159 retained).
Molecular consequence: synonymous variant.
Genome position (GRCh38, 1-based): chr14:92,021,667, G>A on the plus strand (C>T on the coding strand, the complement: TRIP11 is on the minus strand). VCF-style: chr14-92021667-G-A. GRCh37 (hg19) VCF-style: chr14-92488011-G-A.
Other names: c.474C>T, p.Asp158= (NM_001321851.1).
Identifiers: ClinVar variation 754126 (VCV000754126.12), dbSNP rs147932068, ClinGen allele CA7314183.
Genomic context (GRCh38, chr14:92,021,667, plus strand): 5'-ATTTGAGAGTCGGTTTATTTCTTGTTGGGATGAAATTATATCACCAAAGTCCATGTCATC[G>A]TCATGGAAAGCTGAAGGATGATGACTAATCCCATAAGCGAATGAAGATGATGCAGTGGTT-3'
Protein context (NP_004230.2, residues 149-169): GISHHPSAFH[Asp159=]DDMDFGDIIS

ClinVar aggregate classification (germline): Conflicting classifications of pathogenicity. Review status: criteria provided, conflicting classifications (1 of 4 stars). 3 submissions from 3 submitters: Uncertain significance (1); Likely benign (2). Last evaluated 2026-07-01.

Conditions:
Achondrogenesis, type IA (ACG1A). Identifiers: Orphanet 932, Orphanet 93299, MedGen C0265273, MONDO:0008701, OMIM 200600.

Allele frequency attached by ClinVar (database versions not stated): gnomAD 0.00002 and 0.00005; TOPMed 0.00002; ExAC 0.00003; gnomAD exomes 0.00003 and 0.00009; 1000 Genomes Project 30x 0.00016; 1000 Genomes Project 0.00020.
gnomAD v4.1: 130 of 1,614,036 alleles (0.0081%); highest among the groups gnomAD compares: East Asian, 0.23%; 1 homozygote.

Submissions (3):

CeGaT Center for Human Genetics Tuebingen
Classification: Likely benign. Last evaluated: 2026-07-01. Review status: criteria provided, single submitter. Criteria: CeGaT Center For Human Genetics Tuebingen Variant Classification Criteria Version 2. Collection method: clinical testing. Allele origin: germline. Affected: yes. Observed: 1 variant allele.
Comment: TRIP11: BP4, BP7

Labcorp Genetics (formerly Invitae), Labcorp
Classification: Likely benign for Achondrogenesis, type IA. Last evaluated: 2025-01-27. Review status: criteria provided, single submitter. Criteria: Invitae Variant Classification Sherloc (09022015). Collection method: clinical testing. Allele origin: germline.

Illumina Laboratory Services, Illumina
Classification: Uncertain significance for Achondrogenesis, type IA. Last evaluated: 2018-01-13. Review status: criteria provided, single submitter. Criteria: ICSL Variant Classification Criteria 13 December 2019. Collection method: clinical testing. Allele origin: germline.